The following is an entry in ClinVar:

ClinVar aggregate classification (germline): Uncertain significance. Review status: criteria provided, multiple submitters, no conflicts (2 of 4 stars). 3 submissions from 3 submitters: Uncertain significance (3). Last evaluated 2024-09-30.

Conditions:
Autosomal recessive limb-girdle muscular dystrophy type 2W (MDRCMTT). Also called: Muscular dystrophy, limb-girdle, type 2W; Muscular dystrophy, autosomal recessive, with cardiomyopathy and triangular tongue. Identifiers: MedGen C4225192, MONDO:0014788, OMIM 616827.

Allele frequency attached by ClinVar (database versions not stated): TOPMed below 0.00001; ExAC 0.00001; gnomAD 0.00001; gnomAD exomes 0.00002.
gnomAD v4.1: 24 of 1,613,242 alleles (0.0015%); highest among the groups gnomAD compares: African/African-American, 0.004%; no homozygotes.

Submissions (3):

Labcorp Genetics (formerly Invitae), Labcorp
Classification: Uncertain significance for Autosomal recessive limb-girdle muscular dystrophy type 2W. Last evaluated: 2024-09-30. Review status: criteria provided, single submitter. Criteria: Invitae Variant Classification Sherloc (09022015). Collection method: clinical testing. Allele origin: germline.
Comment: This sequence change replaces serine, which is neutral and polar, with leucine, which is neutral and non-polar, at codon 292 of the LIMS2 protein (p.Ser292Leu). This variant is present in population databases (rs778245789, gnomAD 0.004%). This variant has not been reported in the literature in individuals affected with LIMS2-related conditions. ClinVar contains an entry for this variant (Variation ID: 2433442). Invitae Evidence Modeling of protein sequence and biophysical properties (such as structural, functional, and spatial information, amino acid conservation, physicochemical variation, residue mobility, and thermodynamic stability) indicates that this missense variant is not expected to disrupt LIMS2 protein function with a negative predictive value of 80%. In summary, the available evidence is currently insufficient to determine the role of this variant in disease. Therefore, it has been classified as a Variant of Uncertain Significance.

Ambry Genetics
Classification: Uncertain significance. Last evaluated: 2023-10-10. Review status: criteria provided, single submitter. Criteria: Ambry Variant Classification Scheme 2023. Collection method: clinical testing. Allele origin: germline.

Revvity Omics, Revvity
Classification: Uncertain significance for Autosomal recessive limb-girdle muscular dystrophy type 2W. Last evaluated: 2021-01-14. Review status: criteria provided, single submitter. Criteria: ACMG Guidelines, 2015. Collection method: clinical testing. Allele origin: germline.

NM_001161403.3(LIMS2):c.809C>T (p.Ser270Leu)

Gene: LIMS2 (LIM zinc finger domain containing 2; minus strand). Cytogenetic location: 2q14.3.
Variant type: single nucleotide variant.
Coding change: c.809C>T on transcript NM_001161403.3 (MANE Select); coding-DNA position 809, C replaced by T.
Protein change: p.Ser270Leu; replaces serine 270 with leucine.
Molecular consequence: missense variant.
Genome position (GRCh38, 1-based): chr2:127,640,139, G>A on the plus strand (C>T on the coding strand, the complement: LIMS2 is on the minus strand). VCF-style: chr2-127640139-G-A. GRCh37 (hg19) VCF-style: chr2-128397714-G-A.
Other names: c.881C>T (NM_017980.4); c.875C>T, p.Ser292Leu (NM_001136037.4); c.794C>T, p.Ser265Leu (NM_001161404.2); c.353C>T, p.Ser118Leu (NM_001161405.1, NM_001256542.2); c.881C>T, p.Ser294Leu (NM_017980.5); short protein forms S118L, S265L, S270L, S292L, S294L.
Identifiers: ClinVar variation 2433442 (VCV002433442.6), dbSNP rs778245789, ClinGen allele CA1862854.